The following is an entry in ClinVar:

NM_015340.4(LARS2):c.2189A>C (p.Glu730Ala)

Gene: LARS2 (leucyl-tRNA synthetase 2, mitochondrial; plus strand). Cytogenetic location: 3p21.31.
Variant type: single nucleotide variant.
Coding change: c.2189A>C on transcript NM_015340.4 (MANE Select); coding-DNA position 2189, A replaced by C.
Protein change: p.Glu730Ala; replaces glutamic acid 730 with alanine.
Molecular consequence: missense variant.
Genome position (GRCh38, 1-based): chr3:45,518,047, A>C. VCF-style: chr3-45518047-A-C. GRCh37 (hg19) VCF-style: chr3-45559539-A-C.
Other names: c.2189A>C, p.Glu730Ala (NM_001368263.1); c.2189A>C (NM_015340.3); short protein forms E730A.
Identifiers: ClinVar variation 2054571 (VCV002054571.5), dbSNP rs371138400, ClinGen allele CA2349795.

ClinVar aggregate classification (germline): Likely benign. Review status: criteria provided, multiple submitters, no conflicts (2 of 4 stars). 2 submissions from 2 submitters: Likely benign (2). Last evaluated 2026-08-24.

Conditions:
LARS2-related disorder. Also called: LARS2-related condition.

Allele frequency attached by ClinVar (database versions not stated): 1000 Genomes Project 30x 0.00016; 1000 Genomes Project 0.00020.
gnomAD v4.1: 218 of 1,613,560 alleles (0.014%); highest among the groups gnomAD compares: South Asian, 0.23%; 2 homozygotes.

Submissions (2):

PreventionGenetics, part of Exact Sciences
Classification: Likely benign for LARS2-related condition. Last evaluated: 2026-08-24. Review status: criteria provided, single submitter. Criteria: ACMG Guidelines, 2015. Collection method: clinical testing. Allele origin: germline.
Comment: This variant is classified as likely benign based on ACMG/AMP sequence variant interpretation guidelines (Richards et al. 2015 PMID: 25741868, with internal and published modifications).

Labcorp Genetics (formerly Invitae), Labcorp
Classification: Likely benign. Last evaluated: 2023-08-04. Review status: criteria provided, single submitter. Criteria: Invitae Variant Classification Sherloc (09022015). Collection method: clinical testing. Allele origin: germline.